The following is an entry in ClinVar:

ClinVar aggregate classification (germline): Conflicting classifications of pathogenicity. Review status: criteria provided, conflicting classifications (1 of 4 stars). 2 submissions from 2 submitters: Uncertain significance (1); Likely benign (1). Last evaluated 2023-04-05.

Conditions:
Inborn genetic diseases. Identifiers: MedGen C0950123, MeSH D030342.

Allele frequency attached by ClinVar (database versions not stated): ExAC 0.00009; gnomAD 0.00009; TOPMed 0.00018; gnomAD exomes 0.00020.
gnomAD v4.1: 293 of 1,589,238 alleles (0.018%); highest among the groups gnomAD compares: Non-Finnish European, 0.023%; no homozygotes.

Submissions (2):

Ambry Genetics
Classification: Likely benign for Inborn genetic diseases. Last evaluated: 2023-04-05. Review status: criteria provided, single submitter. Criteria: Ambry Variant Classification Scheme 2023. Collection method: clinical testing. Allele origin: germline.

Labcorp Genetics (formerly Invitae), Labcorp
Classification: Uncertain significance. Last evaluated: 2022-07-01. Review status: criteria provided, single submitter. Criteria: Invitae Variant Classification Sherloc (09022015). Collection method: clinical testing. Allele origin: germline.
Comment: This sequence change replaces serine, which is neutral and polar, with leucine, which is neutral and non-polar, at codon 265 of the CAST protein (p.Ser265Leu). This variant is present in population databases (rs200085642, gnomAD 0.03%). This variant has not been reported in the literature in individuals affected with CAST-related conditions. Algorithms developed to predict the effect of missense changes on protein structure and function output the following: SIFT: "Not Available"; PolyPhen-2: "Benign"; Align-GVGD: "Not Available". The leucine amino acid residue is found in multiple mammalian species, which suggests that this missense change does not adversely affect protein function. In summary, the available evidence is currently insufficient to determine the role of this variant in disease. Therefore, it has been classified as a Variant of Uncertain Significance.

NM_001750.7(CAST):c.917C>T (p.Ser306Leu)

Gene: CAST (calpastatin; plus strand). Cytogenetic location: 5q15.
Variant type: single nucleotide variant.
Coding change: c.917C>T on transcript NM_001750.7 (MANE Select); coding-DNA position 917, C replaced by T.
Protein change: p.Ser306Leu; replaces serine 306 with leucine.
Molecular consequence: missense variant. On other transcripts: intron variant (8).
Genome position (GRCh38, 1-based): chr5:96,740,782, C>T. VCF-style: chr5-96740782-C-T. GRCh37 (hg19) VCF-style: chr5-96076486-C-T.
Other names: c.794C>T (NM_001042440.2); c.794C>T, p.Ser265Leu (NM_001042440.5, NM_001330627.2); c.860C>T, p.Ser287Leu (NM_001042441.3); c.851C>T, p.Ser284Leu (NM_001042442.3, NM_001329966.1); c.668C>T, p.Ser223Leu (NM_001042443.3); c.545C>T, p.Ser182Leu (NM_001042444.3, NM_001284212.4); c.452C>T, p.Ser151Leu (NM_001284213.4); c.749C>T, p.Ser250Leu (NM_001330628.2); and 9 more; short protein forms S269L, S151L, S204L, S223L, S265L, S201L, S250L, S284L.
Identifiers: ClinVar variation 2054351 (VCV002054351.6), dbSNP rs200085642, ClinGen allele CA3351018.